The following is an entry in ClinVar:

ClinVar aggregate classification (germline): Pathogenic (1 of 4 stars; one submission).

Conditions:
Familial adenomatous polyposis 1 (FAP1). Also called: FAMILIAL ADENOMATOUS POLYPOSIS 1, ATTENUATED; POLYPOSIS, ADENOMATOUS INTESTINAL. Identifiers: MedGen C2713442, MONDO:0021056, OMIM 175100. Disease mechanism: loss of function.

Submission:

Myriad Genetics, Inc.
Classification: Pathogenic for Familial adenomatous polyposis 1. Last evaluated: 2023-05-05. Review status: criteria provided, single submitter. Criteria: Myriad Autosomal Dominant, Autosomal Recessive and X-Linked Classification Criteria (2023). Collection method: clinical testing. Allele origin: unknown.
Comment: This variant is considered pathogenic. This variant creates a frameshift predicted to result in premature protein truncation.

NM_000038.6(APC):c.2869_2870del (p.Lys957fs)

Gene: APC (APC regulator of Wnt signaling pathway; plus strand). Cytogenetic location: 5q22.2.
Variant type: Deletion.
Coding change: c.2869_2870del on transcript NM_000038.6 (MANE Select); coding-DNA positions 2869 to 2870, 2 bases deleted (AA; older notation c.2869_2870delAA).
Protein change: p.Lys957fs; shifts the reading frame from lysine 957.
Molecular consequence: frameshift variant. On other transcripts: non-coding transcript variant (2).
Genome position (GRCh38, 1-based): chr5:112,838,463-112,838,464, AA deleted. VCF-style (leftmost placement, unchanged base first): chr5-112838462-CAA-C. GRCh37 (hg19) VCF-style: chr5-112174159-CAA-C.
Other names: c.2869_2870del, p.Lys957fs (NM_001127510.3, NM_001354895.2, NM_001407450.1); c.2815_2816del, p.Lys939fs (NM_001127511.3); c.2923_2924del, p.Lys975fs (NM_001354896.2, NM_001407447.1, NM_001407448.1 and 1 more transcripts); c.2899_2900del, p.Lys967fs (NM_001354897.2); c.2794_2795del, p.Lys932fs (NM_001354898.2); c.2785_2786del, p.Lys929fs (NM_001354899.2); c.2746_2747del, p.Lys916fs (NM_001354900.2); c.2692_2693del, p.Lys898fs (NM_001354901.2, NM_001407453.1); and 11 more; short protein forms K573fs, K674fs, K797fs, K828fs, K831fs, K856fs, K866fs, K874fs.
Identifiers: ClinVar variation 2583996 (VCV002583996.1), dbSNP rs2533455762, ClinGen allele CA2582341440.
Genomic context (GRCh38, chr5:112,838,462, plus strand): 5'-TTTCACTAAGTCGGAAAATTCAAATAGGACATGTTCTATGCCTTATGCCAAATTAGAATA[CAA>C]GAGATCTTCAAATGATAGTTTAAATAGTGTCAGTAGTAGTGATGGTTATGGTAAAAGAGG-3'